The following is an entry in ClinVar:

NM_001374736.1(DST):c.13287T>C (p.Asn4429=)

Gene: DST (dystonin; minus strand). Cytogenetic location: 6p12.1.
Variant type: single nucleotide variant.
Coding change: c.13287T>C on transcript NM_001374736.1 (MANE Select); coding-DNA position 13287, T replaced by C.
Protein change: p.Asn4429=; no amino-acid change (asparagine 4429 retained).
Molecular consequence: synonymous variant.
Genome position (GRCh38, 1-based): chr6:56,573,014, A>G on the plus strand (T>C on the coding strand, the complement: DST is on the minus strand). VCF-style: chr6-56573014-A-G. GRCh37 (hg19) VCF-style: chr6-56437812-A-G.
Other names: c.6930T>C, p.Asn2310= (NM_001144769.5); c.6516T>C, p.Asn2172= (NM_001144770.2); c.13287T>C, p.Asn4429= (NM_001374722.1); c.12654T>C, p.Asn4218= (NM_001374729.1); c.6396T>C, p.Asn2132= (NM_001374730.1, NM_001386100.1, NM_183380.4); c.13314T>C, p.Asn4438= (NM_001374734.1); c.5418T>C, p.Asn1806= (NM_015548.5).
Identifiers: ClinVar variation 4978098 (VCV004978098.1).

ClinVar aggregate classification (germline): Likely benign (1 of 4 stars; one submission).

Conditions:
DST-related disorder. Also called: DST-related condition; DST-related disorders.

gnomAD v4.1: 1 of 1,605,060 alleles (0.000062%); highest among the groups gnomAD compares: Admixed American, 0.0017%; no homozygotes.

Submission:

PreventionGenetics, part of Exact Sciences
Classification: Likely benign for DST-related condition. Last evaluated: 2026-03-24. Review status: criteria provided, single submitter. Criteria: ACMG Guidelines, 2015. Collection method: clinical testing. Allele origin: germline.
Comment: This variant is classified as likely benign based on ACMG/AMP sequence variant interpretation guidelines (Richards et al. 2015 PMID: 25741868, with internal and published modifications).